The following is an entry in ClinVar:

NM_006343.3(MERTK):c.2227G>T (p.Gly743Cys)

Gene: MERTK (MER proto-oncogene, tyrosine kinase; plus strand). Cytogenetic location: 2q13.
Variant type: single nucleotide variant.
Coding change: c.2227G>T on transcript NM_006343.3 (MANE Select); coding-DNA position 2227, G replaced by T.
Protein change: p.Gly743Cys; replaces glycine 743 with cysteine.
Molecular consequence: missense variant.
Genome position (GRCh38, 1-based): chr2:112,021,459, G>T. VCF-style: chr2-112021459-G-T. GRCh37 (hg19) VCF-style: chr2-112779036-G-T.
Other names: short protein forms G743C.
Identifiers: ClinVar variation 1058093 (VCV001058093.9), dbSNP rs1573648098, ClinGen allele CA348238880.

ClinVar aggregate classification (germline): Uncertain significance (1 of 4 stars; one submission).

Submission:

Labcorp Genetics (formerly Invitae), Labcorp
Classification: Uncertain significance. Last evaluated: 2022-02-23. Review status: criteria provided, single submitter. Criteria: Invitae Variant Classification Sherloc (09022015). Collection method: clinical testing. Allele origin: germline.
Comment: This variant is not present in population databases (gnomAD no frequency). This sequence change replaces glycine, which is neutral and non-polar, with cysteine, which is neutral and slightly polar, at codon 743 of the MERTK protein (p.Gly743Cys). In summary, the available evidence is currently insufficient to determine the role of this variant in disease. Therefore, it has been classified as a Variant of Uncertain Significance. Algorithms developed to predict the effect of missense changes on protein structure and function (SIFT, PolyPhen-2, Align-GVGD) all suggest that this variant is likely to be disruptive. ClinVar contains an entry for this variant (Variation ID: 1058093). This variant has not been reported in the literature in individuals affected with MERTK-related conditions.